The following is an entry in ClinVar:

ClinVar aggregate classification (germline): Uncertain significance (1 of 4 stars; one submission).

Conditions:
Citrin deficiency. Identifiers: Orphanet 247582, MedGen C1997910, MONDO:0016602.

Allele frequency attached by ClinVar (database versions not stated): gnomAD exomes below 0.00001.
gnomAD v4.1: 4 of 1,614,124 alleles (0.00025%); highest among the groups gnomAD compares: Non-Finnish European, 0.00025%; no homozygotes.

Submission:

Labcorp Genetics (formerly Invitae), Labcorp
Classification: Uncertain significance for Citrin deficiency. Last evaluated: 2026-01-12. Review status: criteria provided, single submitter. Criteria: Invitae Variant Classification Sherloc (09022015). Collection method: clinical testing. Allele origin: germline.
Comment: This sequence change replaces alanine, which is neutral and non-polar, with serine, which is neutral and polar, at codon 173 of the SLC25A13 protein (p.Ala173Ser). This variant is present in population databases (no rsID available, gnomAD 0.0009%). This variant has not been reported in the literature in individuals affected with SLC25A13-related conditions. ClinVar contains an entry for this variant (Variation ID: 1411972). Invitae Evidence Modeling of protein sequence and biophysical properties (such as structural, functional, and spatial information, amino acid conservation, physicochemical variation, residue mobility, and thermodynamic stability) indicates that this missense variant is not expected to disrupt SLC25A13 protein function with a negative predictive value of 80%. In summary, the available evidence is currently insufficient to determine the role of this variant in disease. Therefore, it has been classified as a Variant of Uncertain Significance.

NM_014251.3(SLC25A13):c.517G>T (p.Ala173Ser)

Gene: SLC25A13 (solute carrier family 25 member 13; minus strand). Cytogenetic location: 7q21.3.
Variant type: single nucleotide variant.
Coding change: c.517G>T on transcript NM_014251.3 (MANE Select); coding-DNA position 517, G replaced by T.
Protein change: p.Ala173Ser; replaces alanine 173 with serine.
Molecular consequence: missense variant. On other transcripts: non-coding transcript variant (1).
Genome position (GRCh38, 1-based): chr7:96,193,135, C>A on the plus strand (G>T on the coding strand, the complement: SLC25A13 is on the minus strand). VCF-style: chr7-96193135-C-A. GRCh37 (hg19) VCF-style: chr7-95822447-C-A.
Other names: c.517G>T, p.Ala173Ser (NM_001160210.2); short protein forms A173S.
Identifiers: ClinVar variation 1411972 (VCV001411972.6), dbSNP rs1387446179, ClinGen allele CA368263469.